The following is an entry in ClinVar:

ClinVar aggregate classification (germline): Uncertain significance (1 of 4 stars; one submission).

Submission:

Labcorp Genetics (formerly Invitae), Labcorp
Classification: Uncertain significance. Last evaluated: 2022-07-08. Review status: criteria provided, single submitter. Criteria: Invitae Variant Classification Sherloc (09022015). Collection method: clinical testing. Allele origin: germline.
Comment: Algorithms developed to predict the effect of missense changes on protein structure and function are either unavailable or do not agree on the potential impact of this missense change (SIFT: "Deleterious"; PolyPhen-2: "Probably Damaging"; Align-GVGD: "Class C0"). This variant has not been reported in the literature in individuals affected with MCM4-related conditions. Algorithms developed to predict the effect of sequence changes on RNA splicing suggest that this variant may disrupt the consensus splice site. In summary, the available evidence is currently insufficient to determine the role of this variant in disease. Therefore, it has been classified as a Variant of Uncertain Significance. This variant is not present in population databases (gnomAD no frequency). This sequence change replaces leucine, which is neutral and non-polar, with valine, which is neutral and non-polar, at codon 646 of the MCM4 protein (p.Leu646Val).

NM_182746.3(MCM4):c.1936T>G (p.Leu646Val)

Gene: MCM4 (minichromosome maintenance complex component 4; plus strand). Cytogenetic location: 8q11.21.
Variant type: single nucleotide variant.
Coding change: c.1936T>G on transcript NM_182746.3 (MANE Select); coding-DNA position 1936, T replaced by G.
Protein change: p.Leu646Val; replaces leucine 646 with valine.
Molecular consequence: missense variant.
Genome position (GRCh38, 1-based): chr8:47,972,864, T>G. VCF-style: chr8-47972864-T-G. GRCh37 (hg19) VCF-style: chr8-48885424-T-G.
Other names: c.1936T>G, p.Leu646Val (NM_005914.4); short protein forms L646V.
Identifiers: ClinVar variation 2015019 (VCV002015019.4), dbSNP rs2551884983, ClinGen allele CA371154077.
Genomic context (GRCh38, chr8:47,972,864, plus strand): 5'-GCCTCGGCCTCACAAGGTGCTGGAAAAACAGTATTTTTACTTTGTTTTCTTAGGTTTGAT[T>G]TGATCTTCCTCTTGCTGGACCCTCAGGACGAAGCCTATGACAGGCGTCTGGCTCACCACC-3'
Protein context (NP_877423.1, residues 636-656): LPHTLLSRFD[Leu646Val]IFLLLDPQDE